The following is an entry in ClinVar:

ClinVar aggregate classification (germline): Uncertain significance (1 of 4 stars; one submission).

Submission:

CeGaT Center for Human Genetics Tuebingen
Classification: Uncertain significance. Last evaluated: 2024-04-01. Review status: criteria provided, single submitter. Criteria: CeGaT Center For Human Genetics Tuebingen Variant Classification Criteria Version 2. Collection method: clinical testing. Allele origin: germline. Affected: yes. Observed: 1 variant allele.
Comment: NSD1: PM2, PM4

NM_022455.5(NSD1):c.852CAGTAC[1] (p.285ST[1])

Gene: NSD1 (nuclear receptor binding SET domain protein 1; plus strand). Cytogenetic location: 5q35.3.
Variant type: Microsatellite.
Coding change: c.852CAGTAC[1] on transcript NM_022455.5 (MANE Select); one copy of the 6-base unit CAGTAC starting at c.852; the reference has two copies in a row; one copy, 6 bases deleted.
Protein change: p.285ST[1].
Molecular consequence: inframe deletion. On other transcripts: 5 prime UTR variant (7).
Genome position (GRCh38, 1-based): chr5:177,135,961-177,135,966, CAGTAC deleted; deleting any 6 consecutive bases within chr5:177,135,954-177,135,966 gives the same sequence; the position shown is the placement nearest the transcript's 3' end. VCF-style (leftmost placement, unchanged base first): chr5-177135953-TCCAGTA-T. GRCh37 (hg19) VCF-style: chr5-176562954-TCCAGTA-T.
Other names: c.-22CAGTAC[1] (NM_001365684.2, NM_001409305.1, NM_001409306.1 and 4 more transcripts); c.852CAGTAC[1], p.285ST[1] (NM_001409301.1, NM_001409302.1, NM_001409303.1); c.432CAGTAC[1], p.145ST[1] (NM_001409304.1).
Identifiers: ClinVar variation 3234654 (VCV003234654.20), dbSNP rs2149757029, ClinGen allele CA2676685981.
Genomic context (GRCh38, chr5:177,135,953, plus strand): 5'-AACATTACAATAGAAGAGCAATTAAACTCAATAAATTTATCTTTTCAGGATGATCCAGAT[TCCAGTA>T]CCAGTACATTAGGAAACATGCTAGAATTACCTGGAACTTCATCATCATCTACTTCACAGG-3'